The following is an entry in ClinVar:

ClinVar aggregate classification (germline): Uncertain significance. Review status: criteria provided, multiple submitters, no conflicts (2 of 4 stars). 2 submissions from 2 submitters: Uncertain significance (2). Last evaluated 2024-03-03.

Conditions:
Hereditary breast ovarian cancer syndrome. Also called: Hereditary breast and ovarian cancer syndrome (HBOC); Breast and ovarian cancer; Hereditary breast and/or ovarian cancer syndrome; BRCA1- and BRCA2-Associated Hereditary Breast and Ovarian Cancer; Hereditary breast and ovarian cancer syndrome; Hereditary breast and ovarian cancer. Identifiers: Orphanet 145, MedGen C0677776, MeSH D061325, MONDO:0003582. Disease mechanism: loss of function.
Hereditary cancer-predisposing syndrome. Also called: Neoplastic Syndromes, Hereditary; Tumor predisposition; Hereditary neoplastic syndrome; Hereditary Cancer Syndrome. Identifiers: Orphanet 140162, MedGen C0027672, MeSH D009386, MONDO:0015356.

Submissions (2):

Ambry Genetics
Classification: Uncertain significance for Hereditary cancer-predisposing syndrome. Last evaluated: 2024-03-03. Review status: criteria provided, single submitter. Criteria: Ambry Variant Classification Scheme 2023. Collection method: clinical testing. Allele origin: germline.
Comment: The p.P1020R variant (also known as c.3059C>G), located in coding exon 9 of the BRCA1 gene, results from a C to G substitution at nucleotide position 3059. The proline at codon 1020 is replaced by arginine, an amino acid with dissimilar properties. This amino acid position is conserved. In addition, the in silico prediction for this alteration is inconclusive. Based on the available evidence, the clinical significance of this alteration remains unclear.

Labcorp Genetics (formerly Invitae), Labcorp
Classification: Uncertain significance for Hereditary breast ovarian cancer syndrome. Last evaluated: 2024-02-11. Review status: criteria provided, single submitter. Criteria: Invitae Variant Classification Sherloc (09022015). Collection method: clinical testing. Allele origin: germline.
Comment: This sequence change replaces proline, which is neutral and non-polar, with arginine, which is basic and polar, at codon 1020 of the BRCA1 protein (p.Pro1020Arg). This variant is not present in population databases (gnomAD no frequency). This variant has not been reported in the literature in individuals affected with BRCA1-related conditions. Advanced modeling of protein sequence and biophysical properties (such as structural, functional, and spatial information, amino acid conservation, physicochemical variation, residue mobility, and thermodynamic stability) performed at Invitae indicates that this missense variant is not expected to disrupt BRCA1 protein function with a negative predictive value of 95%. In summary, the available evidence is currently insufficient to determine the role of this variant in disease. Therefore, it has been classified as a Variant of Uncertain Significance.

NM_007294.4(BRCA1):c.3059C>G (p.Pro1020Arg)

Gene: BRCA1 (BRCA1 DNA repair associated; minus strand). Cytogenetic location: 17q21.31.
Variant type: single nucleotide variant.
Coding change: c.3059C>G on transcript NM_007294.4 (MANE Select); coding-DNA position 3059, C replaced by G.
Protein change: p.Pro1020Arg; replaces proline 1020 with arginine.
Molecular consequence: missense variant. On other transcripts: intron variant (137).
Genome position (GRCh38, 1-based): chr17:43,092,472, G>C on the plus strand (C>G on the coding strand, the complement: BRCA1 is on the minus strand). VCF-style: chr17-43092472-G-C. GRCh37 (hg19) VCF-style: chr17-41244489-G-C.
Other names: c.2726C>G, p.Pro909Arg (NM_001407947.1, NM_001407946.1, NM_001407948.1 and 6 more transcripts); c.2918C>G, p.Pro973Arg (NM_001407944.1, NM_001407945.1, NM_001407692.1 and 29 more transcripts); c.2846C>G, p.Pro949Arg (NM_001407571.1, NM_001407853.1, NM_001407894.1 and 9 more transcripts); c.3059C>G, p.Pro1020Arg (NM_001407581.1, NM_001407582.1, NM_001407583.1 and 30 more transcripts); c.3056C>G, p.Pro1019Arg (NM_001407587.1, NM_001407590.1, NM_001407591.1 and 22 more transcripts); c.3050C>G, p.Pro1017Arg (NM_001407646.1, NM_001407647.1); c.2936C>G, p.Pro979Arg (NM_001407648.1, NM_001407664.1, NM_001407665.1 and 19 more transcripts); c.2933C>G, p.Pro978Arg (NM_001407649.1, NM_001407670.1, NM_001407671.1 and 11 more transcripts); and 41 more; short protein forms P1017R, P1019R, P1020R, P724R, P852R, P892R, P893R, P908R.
Identifiers: ClinVar variation 3226130 (VCV003226130.3), dbSNP rs2154344711, ClinGen allele CA10595869.